The following is an entry in ClinVar:

ClinVar aggregate classification (germline): Uncertain significance (1 of 4 stars; one submission).

Conditions:
Ehlers-Danlos syndrome, periodontal type 1. Identifiers: Orphanet 75392, MedGen C4551499, MONDO:0020684, OMIM 130080.

gnomAD v4.1: 4 of 1,572,596 alleles (0.00025%); highest among the groups gnomAD compares: Non-Finnish European, 0.00035%; no homozygotes.

Submission:

Laboratorio de Genetica e Diagnostico Molecular, Hospital Israelita Albert Einstein
Classification: Uncertain significance for Ehlers-Danlos syndrome, periodontal type 1. Last evaluated: 2025-10-14. Review status: criteria provided, single submitter. Criteria: ACMG Guidelines, 2015. Collection method: clinical testing. Allele origin: germline. Affected: yes.
Comment: ACMG classification criteria: PM2 supporting, BP4 supporting

NM_001733.7(C1R):c.2100G>T (p.Glu700Asp)

Gene: C1R (complement C1r; minus strand). Cytogenetic location: 12p13.31.
Variant type: single nucleotide variant.
Coding change: c.2100G>T on transcript NM_001733.7 (MANE Select); coding-DNA position 2100, G replaced by T.
Protein change: p.Glu700Asp; replaces glutamic acid 700 with aspartic acid.
Molecular consequence: missense variant.
Genome position (GRCh38, 1-based): chr12:7,080,550, C>A on the plus strand (G>T on the coding strand, the complement: C1R is on the minus strand). VCF-style: chr12-7080550-C-A. GRCh37 (hg19) VCF-style: chr12-7187854-C-A.
Other names: c.2142G>T, p.Glu714Asp (NM_001354346.2); short protein forms E700D, E714D.
Identifiers: ClinVar variation 4846975 (VCV004846975.1).